The following is an entry in ClinVar:

NM_001136193.2(FASTKD2):c.965C>T (p.Pro322Leu)

Gene: FASTKD2 (FAST kinase domains 2; plus strand). Cytogenetic location: 2q33.3.
Variant type: single nucleotide variant.
Coding change: c.965C>T on transcript NM_001136193.2 (MANE Select); coding-DNA position 965, C replaced by T.
Protein change: p.Pro322Leu; replaces proline 322 with leucine.
Molecular consequence: missense variant.
Genome position (GRCh38, 1-based): chr2:206,771,265, C>T. VCF-style: chr2-206771265-C-T. GRCh37 (hg19) VCF-style: chr2-207635989-C-T.
Other names: p.P322L:CCG>CTG; c.965C>T, p.Pro322Leu (NM_014929.4, NM_001136194.2); short protein forms P322L.
Identifiers: ClinVar variation 214352 (VCV000214352.4), dbSNP rs748507111, ClinGen allele CA320700.

ClinVar aggregate classification (germline): Uncertain significance (1 of 4 stars; one submission).

Allele frequency attached by ClinVar (database versions not stated): gnomAD exomes 0.00001; gnomAD 0.00003; TOPMed 0.00004.
gnomAD v4.1: 49 of 1,606,902 alleles (0.003%); highest among the groups gnomAD compares: Middle Eastern, 0.016%; no homozygotes.

Submission:

GeneDx
Classification: Uncertain significance. Last evaluated: 2025-07-25. Review status: criteria provided, single submitter. Criteria: GeneDx Variant Classification Process June 2021. Collection method: clinical testing. Allele origin: germline. Affected: yes.
Comment: Identified in an individual with CADASIL features; however, a second variant was not identified and detailed clinical information was not provided (PMID: 35699875); Not observed at significant frequency in large population cohorts (gnomAD); In silico analysis supports that this missense variant has a deleterious effect on protein structure/function; This variant is associated with the following publications: (PMID: 35699875)